The following is an entry in ClinVar:

ClinVar aggregate classification (germline): Uncertain significance. Review status: criteria provided, multiple submitters, no conflicts (2 of 4 stars). 2 submissions from 2 submitters: Uncertain significance (2). Last evaluated 2025-01-20.

Conditions:
Cardiovascular phenotype. Identifiers: MedGen CN230736.

Allele frequency attached by ClinVar (database versions not stated): TOPMed below 0.00001.
gnomAD v4.1: 1 of 1,585,950 alleles (0.000063%); highest among the groups gnomAD compares: Non-Finnish European, 0.000086%; no homozygotes.

Submissions (2):

Labcorp Genetics (formerly Invitae), Labcorp
Classification: Uncertain significance. Last evaluated: 2025-01-20. Review status: criteria provided, single submitter. Criteria: Invitae Variant Classification Sherloc (09022015). Collection method: clinical testing. Allele origin: germline.
Comment: This sequence change replaces leucine, which is neutral and non-polar, with phenylalanine, which is neutral and non-polar, at codon 631 of the ALPK3 protein (p.Leu631Phe). This variant is present in population databases (no rsID available, gnomAD 0.001%). This variant has not been reported in the literature in individuals affected with ALPK3-related conditions. ClinVar contains an entry for this variant (Variation ID: 1782079). An algorithm developed to predict the effect of missense changes on protein structure and function (PolyPhen-2) suggests that this variant is likely to be tolerated. In summary, the available evidence is currently insufficient to determine the role of this variant in disease. Therefore, it has been classified as a Variant of Uncertain Significance.

Ambry Genetics
Classification: Uncertain significance for Cardiovascular phenotype. Last evaluated: 2024-10-14. Review status: criteria provided, single submitter. Criteria: Ambry Variant Classification Scheme 2023. Collection method: clinical testing. Allele origin: germline.
Comment: The p.L631F variant (also known as c.1891C>T), located in coding exon 5 of the ALPK3 gene, results from a C to T substitution at nucleotide position 1891. The leucine at codon 631 is replaced by phenylalanine, an amino acid with highly similar properties. This amino acid position is conserved. In addition, this alteration is predicted to be tolerated by in silico analysis. Since supporting evidence is limited at this time, the clinical significance of this alteration remains unclear.

NM_020778.5(ALPK3):c.1285C>T (p.Leu429Phe)

Gene: ALPK3 (alpha kinase 3; plus strand). Cytogenetic location: 15q25.3.
Variant type: single nucleotide variant.
Coding change: c.1285C>T on transcript NM_020778.5 (MANE Select); coding-DNA position 1285, C replaced by T.
Protein change: p.Leu429Phe; replaces leucine 429 with phenylalanine.
Molecular consequence: missense variant.
Genome position (GRCh38, 1-based): chr15:84,840,564, C>T. VCF-style: chr15-84840564-C-T. GRCh37 (hg19) VCF-style: chr15-85383795-C-T.
Other names: short protein forms L429F.
Identifiers: ClinVar variation 1782079 (VCV001782079.8), dbSNP rs1284776728, ClinGen allele CA393375263.